The following is an entry in ClinVar:

NM_004006.3(DMD):c.*1731A>C

Gene: DMD (dystrophin; minus strand). Cytogenetic location: Xp21.2.
Variant type: single nucleotide variant.
Coding change: c.*1731A>C on transcript NM_004006.3 (MANE Select); 1731 bases downstream of the stop codon, A replaced by C.
Molecular consequence: 3 prime UTR variant.
Genome position (GRCh38, 1-based): chrX:31,120,188, T>G on the plus strand (A>C on the coding strand, the complement: DMD is on the minus strand). VCF-style: chrX-31120188-T-G. GRCh37 (hg19) VCF-style: chrX-31138305-T-G.
Other names: c.*1731A>C (NM_000109.4, NM_004009.3, NM_004010.3 and 7 more transcripts); c.*1645A>C (NM_004016.3, NM_004018.3, NM_004021.3 and 2 more transcripts).
Identifiers: ClinVar variation 368207 (VCV000368207.5), dbSNP rs3198427, ClinGen allele CA10653891.
Genomic context (GRCh38, chrX:31,120,188, plus strand): 5'-CAAAATTATAGGTCACACGGTGGTATCTATTGAATGAATGATTTAAAAATCAAAAAGAAA[T>G]AAAATGGCATGAAAGAGTAAAGCTTTTTCCTACCAGTCCTTAGCTTTTCCTCTTGAGCTT-3'

ClinVar aggregate classification (germline): Benign (1 of 4 stars; one submission).

Conditions:
Dilated cardiomyopathy 3B (CMD3B). Also called: CMD3B: DMD-Related Dilated Cardiomyopathy; CARDIOMYOPATHY, DILATED, X-LINKED; DMD-Associated Dilated Cardiomyopathy. Identifiers: Orphanet 154, MedGen C3668940, MONDO:0010542, OMIM 302045.

Allele frequency attached by ClinVar (database versions not stated): gnomAD 0.00585 and 0.00632; 1000 Genomes Project 0.00609; 1000 Genomes Project 30x 0.00687; TOPMed 0.00694.

Submission:

Illumina Laboratory Services, Illumina
Classification: Benign for Dilated cardiomyopathy 3B. Last evaluated: 2018-01-12. Review status: criteria provided, single submitter. Criteria: ICSL Variant Classification Criteria 13 December 2019. Collection method: clinical testing. Allele origin: germline.
Comment: This variant was observed in the ICSL laboratory as part of a predisposition screen in an ostensibly healthy population. It had not been previously curated by ICSL or reported in the Human Gene Mutation Database (HGMD: prior to June 1st, 2018), and was therefore a candidate for classification through an automated scoring system. Utilizing variant allele frequency, disease prevalence and penetrance estimates, and inheritance mode, an automated score was calculated to assess if this variant is too frequent to cause the disease. Based on the score and internal cut-off values, a variant classified as benign is not then subjected to further curation. The score for this variant resulted in a classification of benign for this disease.